The following is an entry in ClinVar:

NM_001164508.2(NEB):c.6679C>G (p.Gln2227Glu)

Gene: NEB (nebulin; minus strand). Cytogenetic location: 2q23.3.
Variant type: single nucleotide variant.
Coding change: c.6679C>G on transcript NM_001164508.2 (MANE Select); coding-DNA position 6679, C replaced by G.
Protein change: p.Gln2227Glu; replaces glutamine 2227 with glutamic acid.
Molecular consequence: missense variant.
Genome position (GRCh38, 1-based): chr2:151,655,840, G>C on the plus strand (C>G on the coding strand, the complement: NEB is on the minus strand). VCF-style: chr2-151655840-G-C. GRCh37 (hg19) VCF-style: chr2-152512354-G-C.
Other names: c.6679C>G, p.Gln2227Glu (NM_001164507.2, NM_001271208.2, NM_004543.5); c.6679C>G (NM_004543.4); short protein forms Q2227E.
Identifiers: ClinVar variation 2193096 (VCV002193096.5), dbSNP rs570638656, ClinGen allele CA57635997.

ClinVar aggregate classification (germline): Uncertain significance. Review status: criteria provided, multiple submitters, no conflicts (2 of 4 stars). 2 submissions from 2 submitters: Uncertain significance (2). Last evaluated 2025-10-07.

Conditions:
Inborn genetic diseases. Identifiers: MedGen C0950123, MeSH D030342.
Nemaline myopathy 2 (NEM2). Also called: Nemaline myopathy 2, autosomal recessive. Identifiers: MedGen C1850569, MONDO:0009725, OMIM 256030.

gnomAD v4.1: 2 of 1,613,650 alleles (0.00012%); no homozygotes.

Submissions (2):

Ambry Genetics
Classification: Uncertain significance for Inborn genetic diseases. Last evaluated: 2025-10-07. Review status: criteria provided, single submitter. Criteria: Ambry Variant Classification Scheme 2023. Collection method: clinical testing. Allele origin: germline.

Labcorp Genetics (formerly Invitae), Labcorp
Classification: Uncertain significance for Nemaline myopathy 2. Last evaluated: 2022-08-05. Review status: criteria provided, single submitter. Criteria: Invitae Variant Classification Sherloc (09022015). Collection method: clinical testing. Allele origin: germline.
Comment: In summary, the available evidence is currently insufficient to determine the role of this variant in disease. Therefore, it has been classified as a Variant of Uncertain Significance. Algorithms developed to predict the effect of missense changes on protein structure and function are either unavailable or do not agree on the potential impact of this missense change (SIFT: "Deleterious"; PolyPhen-2: "Not Available"; Align-GVGD: "Class C0"). This variant has not been reported in the literature in individuals affected with NEB-related conditions. This variant is not present in population databases (gnomAD no frequency). This sequence change replaces glutamine, which is neutral and polar, with glutamic acid, which is acidic and polar, at codon 2227 of the NEB protein (p.Gln2227Glu).